The following is an entry in ClinVar:

NM_000276.4(OCRL):c.2177G>T (p.Gly726Val)

Gene: OCRL (OCRL inositol polyphosphate-5-phosphatase; plus strand). Cytogenetic location: Xq26.1.
Variant type: single nucleotide variant.
Coding change: c.2177G>T on transcript NM_000276.4 (MANE Select); coding-DNA position 2177, G replaced by T.
Protein change: p.Gly726Val; replaces glycine 726 with valine.
Molecular consequence: missense variant.
Genome position (GRCh38, 1-based): chrX:129,587,039, G>T. VCF-style: chrX-129587039-G-T. GRCh37 (hg19) VCF-style: chrX-128721016-G-T.
Other names: c.2180G>T, p.Gly727Val (NM_001318784.2); c.2153G>T, p.Gly718Val (NM_001587.4); short protein forms G718V, G726V, G727V.
Identifiers: ClinVar variation 787560 (VCV000787560.47), dbSNP rs755071897, ClinGen allele CA10512326.
Genomic context (GRCh38, chrX:129,587,039, plus strand): 5'-TCTCATACTTTTCCATCTATTAGGAGAAATCCCTTCTGCAAATGGTTCCTTTGGATGAAG[G>T]TGCCAGTGAGAGACCCCTTCAGGTTCCCAAGGAGATCTGGCTTCTAGTAGATCACCTATT-3'
Protein context (NP_000267.2, residues 716-736): SLLQMVPLDE[Gly726Val]ASERPLQVPK

ClinVar aggregate classification (germline): Benign/Likely benign. Review status: criteria provided, multiple submitters, no conflicts (2 of 4 stars). 5 submissions from 5 submitters: Benign (2); Likely benign (3). Last evaluated 2026-01-24.

Conditions:
Nephrolithiasis/nephrocalcinosis. Identifiers: MedGen CN580796.
Lowe syndrome (OCRL). Also called: PHOSPHATIDYLINOSITOL 4,5-BISPHOSPHATE 5-PHOSPHATASE DEFICIENCY; Oculocerebrorenal Syndrome; LOWE OCULOCEREBRORENAL SYNDROME. Identifiers: Orphanet 534, MedGen C0028860, MONDO:0010645, OMIM 309000.
OCRL-related disorder. Also called: OCRL-related condition.

Allele frequency attached by ClinVar (database versions not stated): TOPMed 0.00006; gnomAD 0.00012 and 0.00013; gnomAD exomes 0.00014 and 0.00028; ExAC 0.00051.

Submissions (5):

Labcorp Genetics (formerly Invitae), Labcorp
Classification: Benign for Lowe syndrome. Last evaluated: 2026-01-24. Review status: criteria provided, single submitter. Criteria: Invitae Variant Classification Sherloc (09022015). Collection method: clinical testing. Allele origin: germline.

PreventionGenetics, part of Exact Sciences
Classification: Likely benign for OCRL-related condition. Last evaluated: 2025-07-16. Review status: criteria provided, single submitter. Criteria: ACMG Guidelines, 2015. Collection method: clinical testing. Allele origin: germline.
Comment: This variant is classified as likely benign based on ACMG/AMP sequence variant interpretation guidelines (Richards et al. 2015 PMID: 25741868, with internal and published modifications).

Laboratory of Genetics, Children's Clinical University Hospital Latvia
Classification: Likely benign. Last evaluated: 2025-02-16. Review status: criteria provided, single submitter. Criteria: ACMG Guidelines, 2015. Collection method: clinical testing. Allele origin: germline. Affected: yes.

CeGaT Center for Human Genetics Tuebingen
Classification: Likely benign. Last evaluated: 2021-04-01. Review status: criteria provided, single submitter. Criteria: CeGaT Center For Human Genetics Tuebingen Variant Classification Criteria Version 2. Collection method: clinical testing. Allele origin: germline. Affected: yes. Observed: 1 variant allele.

Ambry Genetics
Classification: Benign for Nephrolithiasis/nephrocalcinosis. Last evaluated: 2018-01-31. Review status: criteria provided, single submitter. Criteria: Ambry Variant Classification Scheme 2023. Collection method: clinical testing. Allele origin: germline.